The following is an entry in ClinVar:

NM_001083116.3(PRF1):c.1A>C (p.Met1Leu)

Gene: PRF1 (perforin 1; minus strand). Cytogenetic location: 10q22.1.
Variant type: single nucleotide variant.
Coding change: c.1A>C on transcript NM_001083116.3 (MANE Select); coding-DNA position 1, A replaced by C.
Protein change: p.Met1Leu; changes the start codon (methionine 1).
Molecular consequence: missense variant, initiator codon variant.
Genome position (GRCh38, 1-based): chr10:70,600,902, T>G on the plus strand (A>C on the coding strand, the complement: PRF1 is on the minus strand). VCF-style: chr10-70600902-T-G. GRCh37 (hg19) VCF-style: chr10-72360658-T-G.
Other names: c.1A>C, p.Met1Leu (NM_005041.6); short protein forms M1L.
Identifiers: ClinVar variation 4729186 (VCV004729186.1).
Genomic context (GRCh38, chr10:70,600,902, plus strand): 5'-CAGGGACGGGCAGGGGCAGCAGCAGGAGAAGGATGCCCAGGAGGAGCAGACGGGCTGCCA[T>G]GGAGCTGCAGAGACAGGGGGCACTTGGGCTCTGGGAAGCCATGGGTGGAGGGATGGAGGA-3'
Protein context (NP_001076585.1, residues 1-11): [Met1Leu]AARLLLLGIL

ClinVar aggregate classification (germline): Pathogenic (1 of 4 stars; one submission).

Conditions:
Familial hemophagocytic lymphohistiocytosis 2 (FHL2). Also called: PRF1-Related Familial Hemophagocytic Lymphohistiocytosis (PRF1-fHLH). Identifiers: Orphanet 540, MedGen C1863727, MONDO:0011337, OMIM 603553.

Submission:

Labcorp Genetics (formerly Invitae), Labcorp
Classification: Pathogenic for Familial hemophagocytic lymphohistiocytosis 2. Last evaluated: 2025-12-01. Review status: criteria provided, single submitter. Criteria: Invitae Variant Classification Sherloc (09022015). Collection method: clinical testing. Allele origin: germline.
Comment: This sequence change affects the initiator codon of the PRF1 mRNA. This change may impact translation initiation or efficiency. The next in-frame methionine is located at codon 288. This variant is not present in population databases (gnomAD no frequency). Disruption of the initiator codon has been observed in individual(s) with hemophagocytic lymphohistiocytosis (PMID: 12060139, 12716377, 26199792, 29095814). For these reasons, this variant has been classified as Pathogenic.

Literature cited by the submitters: PubMed 12060139; PubMed 12716377; PubMed 26199792; PubMed 29095814.